The following is an entry in ClinVar:

ClinVar aggregate classification (germline): Conflicting classifications of pathogenicity. Review status: criteria provided, conflicting classifications (1 of 4 stars). 2 submissions from 2 submitters: Uncertain significance (1); Likely benign (1). Last evaluated 2025-05-08.

Conditions:
Hereditary cancer-predisposing syndrome. Also called: Neoplastic Syndromes, Hereditary; Tumor predisposition; Hereditary Cancer Syndrome; Hereditary neoplastic syndrome. Identifiers: Orphanet 140162, MedGen C0027672, MeSH D009386, MONDO:0015356.
Hereditary breast ovarian cancer syndrome. Also called: Hereditary breast and ovarian cancer; Hereditary breast and ovarian cancer syndrome (HBOC); BRCA1- and BRCA2-Associated Hereditary Breast and Ovarian Cancer; Breast and ovarian cancer; Hereditary breast and/or ovarian cancer syndrome; Hereditary breast and ovarian cancer syndrome. Identifiers: Orphanet 145, MedGen C0677776, MeSH D061325, MONDO:0003582. Disease mechanism: loss of function.

Submissions (2):

Ambry Genetics
Classification: Likely benign for Hereditary cancer-predisposing syndrome. Last evaluated: 2025-05-08. Review status: criteria provided, single submitter. Criteria: Ambry Variant Classification Scheme 2023. Collection method: clinical testing. Allele origin: germline.

Labcorp Genetics (formerly Invitae), Labcorp
Classification: Uncertain significance for Hereditary breast ovarian cancer syndrome. Last evaluated: 2024-02-06. Review status: criteria provided, single submitter. Criteria: Invitae Variant Classification Sherloc (09022015). Collection method: clinical testing. Allele origin: germline.
Comment: This sequence change replaces proline, which is neutral and non-polar, with threonine, which is neutral and polar, at codon 2798 of the BRCA2 protein (p.Pro2798Thr). This variant is not present in population databases (gnomAD no frequency). This variant has not been reported in the literature in individuals affected with BRCA2-related conditions. ClinVar contains an entry for this variant (Variation ID: 1763195). Advanced modeling of protein sequence and biophysical properties (such as structural, functional, and spatial information, amino acid conservation, physicochemical variation, residue mobility, and thermodynamic stability) has been performed at Invitae for this missense variant, however the output from this modeling did not meet the statistical confidence thresholds required to predict the impact of this variant on BRCA2 protein function. In summary, the available evidence is currently insufficient to determine the role of this variant in disease. Therefore, it has been classified as a Variant of Uncertain Significance.

NM_000059.4(BRCA2):c.8392C>A (p.Pro2798Thr)

Gene: BRCA2 (BRCA2 DNA repair associated; plus strand). Cytogenetic location: 13q13.1.
Variant type: single nucleotide variant.
Coding change: c.8392C>A on transcript NM_000059.4 (MANE Select); coding-DNA position 8392, C replaced by A.
Protein change: p.Pro2798Thr; replaces proline 2798 with threonine.
Molecular consequence: missense variant.
Genome position (GRCh38, 1-based): chr13:32,370,462, C>A. VCF-style: chr13-32370462-C-A. GRCh37 (hg19) VCF-style: chr13-32944599-C-A.
Other names: c.8296C>A, p.Pro2766Thr (NM_001406719.1); c.8392C>A, p.Pro2798Thr (NM_001406720.1); c.3460C>A, p.Pro1154Thr (NM_001406721.1); c.1975C>A, p.Pro659Thr (NM_001406722.1); short protein forms P2798T, P659T, P2766T, P1154T.
Identifiers: ClinVar variation 1763195 (VCV001763195.5), dbSNP rs750640009, ClinGen allele CA387752480.
Genomic context (GRCh38, chr13:32,370,462, plus strand): 5'-ATTTCTGCTAACAGTACTCGGCCTGCTCGCTGGTATACCAAACTTGGATTCTTTCCTGAC[C>A]CTAGACCTTTTCCTCTGCCCTTATCATCGCTTTTCAGTGATGGAGGAAATGTTGGTTGTG-3'
Protein context (NP_000050.3, residues 2788-2808): WYTKLGFFPD[Pro2798Thr]RPFPLPLSSL